The following is an entry in ClinVar:

ClinVar aggregate classification (germline): Uncertain significance. Review status: criteria provided, multiple submitters, no conflicts (2 of 4 stars). 2 submissions from 2 submitters: Uncertain significance (2). Last evaluated 2025-10-22.

Conditions:
Hereditary cancer-predisposing syndrome. Also called: Neoplastic Syndromes, Hereditary; Tumor predisposition; Hereditary Cancer Syndrome; Hereditary neoplastic syndrome. Identifiers: Orphanet 140162, MedGen C0027672, MeSH D009386, MONDO:0015356.
Ataxia-telangiectasia syndrome (AT). Also called: LOUIS-BAR SYNDROME; Cerebello-oculocutaneous telangiectasia; Immunodeficiency with ataxia telangiectasia; Ataxia-telangiectasia, complementation group D; AT, COMPLEMENTATION GROUP C; ATAXIA-TELANGIECTASIA, COMPLEMENTATION GROUP A. Identifiers: Orphanet 100, MedGen C0004135, MONDO:0008840, OMIM 208900.

gnomAD v4.1: 1 of 1,611,720 alleles (0.000062%); highest among the groups gnomAD compares: African/African-American, 0.0013%; no homozygotes.

Submissions (2):

Ambry Genetics
Classification: Uncertain significance for Hereditary cancer-predisposing syndrome. Last evaluated: 2025-10-22. Review status: criteria provided, single submitter. Criteria: Ambry Variant Classification Scheme 2023. Collection method: clinical testing. Allele origin: germline.
Comment: The p.P1587T variant (also known as c.4759C>A), located in coding exon 30 of the ATM gene, results from a C to A substitution at nucleotide position 4759. The proline at codon 1587 is replaced by threonine, an amino acid with highly similar properties. This amino acid position is not well conserved in available vertebrate species. In addition, this alteration is predicted to be tolerated by in silico analysis. Since supporting evidence is limited at this time, the clinical significance of this alteration remains unclear.

Labcorp Genetics (formerly Invitae), Labcorp
Classification: Uncertain significance for Ataxia-telangiectasia syndrome. Last evaluated: 2025-01-08. Review status: criteria provided, single submitter. Criteria: Invitae Variant Classification Sherloc (09022015). Collection method: clinical testing. Allele origin: germline.
Comment: This sequence change replaces proline, which is neutral and non-polar, with threonine, which is neutral and polar, at codon 1587 of the ATM protein (p.Pro1587Thr). This variant is present in population databases (no rsID available, gnomAD 0.007%). This variant has not been reported in the literature in individuals affected with ATM-related conditions. ClinVar contains an entry for this variant (Variation ID: 1742872). Invitae Evidence Modeling of protein sequence and biophysical properties (such as structural, functional, and spatial information, amino acid conservation, physicochemical variation, residue mobility, and thermodynamic stability) indicates that this missense variant is not expected to disrupt ATM protein function with a negative predictive value of 95%. In summary, the available evidence is currently insufficient to determine the role of this variant in disease. Therefore, it has been classified as a Variant of Uncertain Significance.

NM_000051.4(ATM):c.4759C>A (p.Pro1587Thr)

Gene: ATM (ATM serine/threonine kinase; plus strand). Cytogenetic location: 11q22.3.
Variant type: single nucleotide variant.
Coding change: c.4759C>A on transcript NM_000051.4 (MANE Select); coding-DNA position 4759, C replaced by A.
Protein change: p.Pro1587Thr; replaces proline 1587 with threonine.
Molecular consequence: missense variant.
Genome position (GRCh38, 1-based): chr11:108,293,460, C>A. VCF-style: chr11-108293460-C-A. GRCh37 (hg19) VCF-style: chr11-108164187-C-A.
Other names: c.4759C>A, p.Pro1587Thr (NM_001351834.2); short protein forms P1587T.
Identifiers: ClinVar variation 1742872 (VCV001742872.8), dbSNP rs786202473, ClinGen allele CA382535151.